The following is an entry in ClinVar:

NM_001848.3(COL6A1):c.2430del (p.Ile809_Cys810insTer)

Gene: COL6A1 (collagen type VI alpha 1 chain; plus strand). Cytogenetic location: 21q22.3.
Variant type: Deletion.
Coding change: c.2430del on transcript NM_001848.3 (MANE Select); coding-DNA position 2430, one base deleted (C; older notation c.2430delC).
Protein change: p.Ile809_Cys810insTer.
Molecular consequence: nonsense.
Genome position (GRCh38, 1-based): chr21:46,002,706, C deleted. VCF-style (leftmost placement, unchanged base first): chr21-46002705-GC-G. GRCh37 (hg19) VCF-style: chr21-47422619-GC-G.
Identifiers: ClinVar variation 861146 (VCV000861146.10), dbSNP rs2077854422, ClinGen allele CA916081966.

ClinVar aggregate classification (germline): Uncertain significance (1 of 4 stars; one submission).

Conditions:
Bethlem myopathy 1A. Also called: MYOPATHY, BENIGN CONGENITAL, WITH CONTRACTURES; Bethlem myopathy 1; Bethlem Muscular Dystrophy. Identifiers: Orphanet 610, MedGen CN029274, MONDO:0024530, OMIM 158810.

Submission:

Labcorp Genetics (formerly Invitae), Labcorp
Classification: Uncertain significance for Bethlem myopathy 1A. Last evaluated: 2022-07-06. Review status: criteria provided, single submitter. Criteria: Invitae Variant Classification Sherloc (09022015). Collection method: clinical testing. Allele origin: germline.
Comment: In summary, the available evidence is currently insufficient to determine the role of this variant in disease. Therefore, it has been classified as a Variant of Uncertain Significance. This variant disrupts the C-terminus of the COL6A1 protein. Other variant(s) that disrupt this region (p.Leu941Alafs*34) have been observed in individuals with COL6A1-related conditions (PMID: 33250842). This suggests that this may be a clinically significant region of the protein. ClinVar contains an entry for this variant (Variation ID: 861146). This premature translational stop signal has been observed in individual(s) with clinical features of type VI collagenopathy (Invitae). This variant is not present in population databases (gnomAD no frequency). This sequence change creates a premature translational stop signal (p.Cys810*) in the COL6A1 gene. While this is not anticipated to result in nonsense mediated decay, it is expected to disrupt the last 219 amino acid(s) of the COL6A1 protein.

Literature cited by the submitters: PubMed 33250842.